The following is an entry in ClinVar:

ClinVar aggregate classification (germline): Conflicting classifications of pathogenicity. Review status: criteria provided, conflicting classifications (1 of 4 stars). 6 submissions from 6 submitters: Uncertain significance (5); Likely benign (1). Last evaluated 2025-10-03.

Conditions:
COL12A1-related disorder. Also called: COL12A1-related condition.
Inborn genetic diseases. Identifiers: MedGen C0950123, MeSH D030342.
Ullrich congenital muscular dystrophy 2 (UCMD2). Identifiers: Orphanet 75840, MedGen C4225314, MONDO:0014654, OMIM 616470.
Bethlem myopathy 2 (BTHLM2). Identifiers: Orphanet 536516, Orphanet 610, MedGen C4225313, MONDO:0034022, OMIM 616471.

Allele frequency attached by ClinVar (database versions not stated): gnomAD 0.00003 and 0.00004; gnomAD exomes 0.00005 and 0.00008; TOPMed 0.00006; ESP Exome Variant Server 0.00008; ExAC 0.00014.
gnomAD v4.1: 84 of 1,613,182 alleles (0.0052%); highest among the groups gnomAD compares: Non-Finnish European, 0.0066%; no homozygotes.

Submissions (6):

Labcorp Genetics (formerly Invitae), Labcorp
Classification: Likely benign for Bethlem myopathy 2; Ullrich congenital muscular dystrophy 2. Last evaluated: 2025-10-03. Review status: criteria provided, single submitter. Criteria: Invitae Variant Classification Sherloc (09022015). Collection method: clinical testing. Allele origin: germline.

Mayo Clinic Laboratories, Mayo Clinic
Classification: Uncertain significance. Last evaluated: 2025-10-03. Review status: criteria provided, single submitter. Criteria: ACMG Guidelines, 2015. Collection method: clinical testing. Allele origin: germline. Observed: 2 variant alleles.

GeneDx
Classification: Uncertain significance. Last evaluated: 2025-04-23. Review status: criteria provided, single submitter. Criteria: GeneDx Variant Classification Process June 2021. Collection method: clinical testing. Allele origin: germline. Affected: yes.
Comment: Has not been previously published as pathogenic or benign to our knowledge; In silico analysis supports that this missense variant does not alter protein structure/function

PreventionGenetics, part of Exact Sciences
Classification: Uncertain significance for COL12A1-related condition. Last evaluated: 2024-10-15. Review status: criteria provided, single submitter. Criteria: ACMG Guidelines, 2015. Collection method: clinical testing. Allele origin: germline.
Comment: The COL12A1 c.856C>G variant is predicted to result in the amino acid substitution p.Gln286Glu. To our knowledge, this variant has not been reported in the literature. This variant is reported in 0.019% of alleles in individuals of European (Non-Finnish) descent in gnomAD. At this time, the clinical significance of this variant is uncertain due to the absence of conclusive functional and genetic evidence.

Ambry Genetics
Classification: Uncertain significance for Inborn genetic diseases. Last evaluated: 2022-06-17. Review status: criteria provided, single submitter. Criteria: Ambry Variant Classification Scheme 2023. Collection method: clinical testing. Allele origin: germline.

Revvity Omics, Revvity
Classification: Uncertain significance. Last evaluated: 2019-07-26. Review status: criteria provided, single submitter. Criteria: ACMG Guidelines, 2015. Collection method: clinical testing. Allele origin: germline.

NM_004370.6(COL12A1):c.856C>G (p.Gln286Glu)

Gene: COL12A1 (collagen type XII alpha 1 chain; minus strand). Cytogenetic location: 6q13.
Variant type: single nucleotide variant.
Coding change: c.856C>G on transcript NM_004370.6 (MANE Select); coding-DNA position 856, C replaced by G.
Protein change: p.Gln286Glu; replaces glutamine 286 with glutamic acid.
Molecular consequence: missense variant. On other transcripts: intron variant (1).
Genome position (GRCh38, 1-based): chr6:75,188,503, G>C on the plus strand (C>G on the coding strand, the complement: COL12A1 is on the minus strand). VCF-style: chr6-75188503-G-C. GRCh37 (hg19) VCF-style: chr6-75898219-G-C.
Other names: p.Gln286Glu; c.73+14217C>G (NM_080645.3); short protein forms Q286E.
Identifiers: ClinVar variation 391580 (VCV000391580.18), dbSNP rs369360559, ClinGen allele CA3894318.
Genomic context (GRCh38, chr6:75,188,503, plus strand): 5'-CAATTGCATCAAAGTTGGCCACATTGAAAACATGGTTCAGTGAAGGTGTGGAGGCAATTT[G>C]TTTGAGTTCTTTTGCATCTGCAGCTTTAATGCCTTCAAAACAAAAGGATAAGGACATATT-3'
Protein context (NP_004361.3, residues 276-296): IKAADAKELK[Gln286Glu]IASTPSLNHV